The following is an entry in ClinVar:

ClinVar aggregate classification (germline): Conflicting classifications of pathogenicity. Review status: criteria provided, conflicting classifications (1 of 4 stars). 9 submissions from 9 submitters: Pathogenic (1); Uncertain significance (1); Benign (2); Likely benign (4). 1 of the submissions does not count toward it. Last evaluated 2026-09-01.

Conditions:
Kabuki syndrome. Also called: Kabuki make-up syndrome; NIIKAWA-KUROKI SYNDROME. Identifiers: Orphanet 2322, MedGen C0796004, MONDO:0016512.
KMT2D-related disorder. Also called: KMT2D-Related Disorders.
Kabuki syndrome 1 (KABUK1). Also called: KMT2D-Related Kabuki Syndrome. Identifiers: Orphanet 2322, MedGen CN030661, MONDO:0007843, OMIM 147920.
Inborn genetic diseases. Identifiers: MedGen C0950123, MeSH D030342.

Allele frequency attached by ClinVar (database versions not stated): 1000 Genomes Project 30x 0.00016; 1000 Genomes Project 0.00020; ESP Exome Variant Server 0.00024; TOPMed 0.00027.
gnomAD v4.1: 393 of 1,609,328 alleles (0.024%); highest among the groups gnomAD compares: Admixed American, 0.077%; 1 homozygote.

Submissions (9):

CeGaT Center for Human Genetics Tuebingen
Classification: Likely benign. Last evaluated: 2026-09-01. Review status: criteria provided, single submitter. Criteria: CeGaT Center For Human Genetics Tuebingen Variant Classification Criteria Version 2. Collection method: clinical testing. Allele origin: germline. Affected: yes. Observed: 1 variant allele.
Comment: KMT2D: PP2, BS1

Labcorp Genetics (formerly Invitae), Labcorp
Classification: Benign for Kabuki syndrome. Last evaluated: 2026-02-01. Review status: criteria provided, single submitter. Criteria: Invitae Variant Classification Sherloc (09022015). Collection method: clinical testing. Allele origin: germline.

Ambry Genetics
Classification: Likely benign for Inborn genetic diseases. Last evaluated: 2025-04-24. Review status: criteria provided, single submitter. Criteria: Ambry Variant Classification Scheme 2023. Collection method: clinical testing. Allele origin: germline.

Laboratory of Genetics, Children's Clinical University Hospital Latvia
Classification: Benign. Last evaluated: 2025-02-16. Review status: criteria provided, single submitter. Criteria: ACMG Guidelines, 2015. Collection method: clinical testing. Allele origin: germline. Affected: yes.

Blueprint Genetics
Classification: Likely benign. Last evaluated: 2024-11-18. Review status: criteria provided, single submitter. Criteria: ACMG Guidelines, 2015. Collection method: clinical testing. Allele origin: germline.

GeneDx
Classification: Likely benign. Last evaluated: 2021-02-25. Review status: criteria provided, single submitter. Criteria: GeneDx Variant Classification Process June 2021. Collection method: clinical testing. Allele origin: germline. Affected: yes.
Comment: This variant is associated with the following publications: (PMID: 21671394, 30459467)

Mendelics
Classification: Uncertain significance for Kabuki syndrome 1. Last evaluated: 2019-05-28. Review status: criteria provided, single submitter. Criteria: Mendelics Assertion Criteria 2017. Collection method: clinical testing. Allele origin: unknown.

Center for Human Genetics, Inc
Classification: Pathogenic for Kabuki syndrome 1. Last evaluated: 2016-11-01. Review status: criteria provided, single submitter. Criteria: ACMG Guidelines, 2015. Collection method: clinical testing. Allele origin: germline. Affected: yes.

PreventionGenetics, part of Exact Sciences
Classification: Likely benign for KMT2D-related condition. Last evaluated: 2021-04-07. Review status: no assertion criteria provided. Collection method: clinical testing. Allele origin: germline. Not counted in ClinVar's aggregate classification.
Comment: This variant is classified as likely benign based on ACMG/AMP sequence variant interpretation guidelines (Richards et al. 2015 PMID: 25741868, with internal and published modifications).

NM_003482.4(KMT2D):c.4163G>T (p.Arg1388Leu)

Gene: KMT2D (lysine methyltransferase 2D; minus strand). Cytogenetic location: 12q13.12.
Variant type: single nucleotide variant.
Coding change: c.4163G>T on transcript NM_003482.4 (MANE Select); coding-DNA position 4163, G replaced by T.
Protein change: p.Arg1388Leu; replaces arginine 1388 with leucine.
Molecular consequence: missense variant.
Genome position (GRCh38, 1-based): chr12:49,048,038, C>A on the plus strand (G>T on the coding strand, the complement: KMT2D is on the minus strand). VCF-style: chr12-49048038-C-A. GRCh37 (hg19) VCF-style: chr12-49441821-C-A.
Other names: short protein forms R1388L.
Identifiers: ClinVar variation 309065 (VCV000309065.23), dbSNP rs202217665, ClinGen allele CA6547878.
Genomic context (GRCh38, chr12:49,048,038, plus strand): 5'-CAGTAAGGGTGATAGCACTGAGAGCACTGCGAACAGGCAAGGAGGTGGCCCTCTGCCCCC[C>A]GGCCAAAGCTGCCACATACCACACACATGTCCTGGGGAAACACAGAGAAACCCAAATGTC-3'
Protein context (NP_003473.3, residues 1378-1398): DMCVVCGSFG[Arg1388Leu]GAEGHLLACS